The following is an entry in ClinVar:

NM_000059.4(BRCA2):c.8535_8538del (p.Glu2846fs)

Gene: BRCA2 (BRCA2 DNA repair associated; plus strand). Cytogenetic location: 13q13.1.
Variant type: Microsatellite.
Coding change: c.8535_8538del on transcript NM_000059.4 (MANE Select); coding-DNA positions 8535 to 8538, 4 bases deleted (AGAG; older notation c.8535_8538delAGAG).
Protein change: p.Glu2846fs; shifts the reading frame from glutamic acid 2846.
Molecular consequence: frameshift variant.
Genome position (GRCh38, 1-based): chr13:32,371,003-32,371,006, AGAG deleted; deleting any 4 consecutive bases within chr13:32,371,001-32,371,006 gives the same sequence; the c. name uses the placement nearest the transcript's 3' end. VCF-style (leftmost placement, unchanged base first): chr13-32371000-AAGAG-A. GRCh37 (hg19) VCF-style: chr13-32945137-AAGAG-A.
Other names: 8763del4; c.8535_8538delAGAG (NM_000059.3); short protein forms E2846fs.
Identifiers: ClinVar variation 52615 (VCV000052615.31), dbSNP rs80359714, ClinGen allele CA025698.

ClinVar aggregate classification (germline): Pathogenic. Review status: reviewed by expert panel (3 of 4 stars). 12 submissions from 12 submitters: Pathogenic (1). 11 of the submissions do not count toward it. Last evaluated 2016-09-08.

Conditions:
Hereditary breast ovarian cancer syndrome. Also called: Hereditary breast and ovarian cancer syndrome; Hereditary breast and ovarian cancer; Hereditary breast and ovarian cancer syndrome (HBOC); Breast and ovarian cancer; Hereditary breast and/or ovarian cancer syndrome; BRCA1- and BRCA2-Associated Hereditary Breast and Ovarian Cancer. Identifiers: Orphanet 145, MedGen C0677776, MeSH D061325, MONDO:0003582. Disease mechanism: loss of function.
Breast-ovarian cancer, familial, susceptibility to, 2 (BROVCA2). Also called: BRCA2 Hereditary Breast and Ovarian Cancer. Identifiers: Orphanet 145, MedGen C2675520, MONDO:0012933, OMIM 612555. Disease mechanism: loss of function.
BRCA2-related cancer predisposition. Identifiers: MedGen CN377758, MONDO:0700269.
Hereditary cancer-predisposing syndrome. Also called: Neoplastic Syndromes, Hereditary; Tumor predisposition; Hereditary neoplastic syndrome; Hereditary Cancer Syndrome. Identifiers: Orphanet 140162, MedGen C0027672, MeSH D009386, MONDO:0015356.

Submissions (12):

Evidence-based Network for the Interpretation of Germline Mutant Alleles (ENIGMA)
Classification: Pathogenic for Breast-ovarian cancer, familial, susceptibility to, 2. Last evaluated: 2016-09-08. Review status: reviewed by expert panel. Criteria: ENIGMA BRCA1/2 Classification Criteria (2015). Collection method: curation. Allele origin: germline.
Comment: Variant allele predicted to encode a truncated non-functional protein.

All of Us Research Program, National Institutes of Health
Classification: Pathogenic for BRCA2-related cancer predisposition. Last evaluated: 2024-05-14. Review status: criteria provided, single submitter. Criteria: ACMG Guidelines, 2015. Collection method: clinical testing. Allele origin: germline. Inheritance: Autosomal dominant inheritance. Observed: 1 variant allele, 1 heterozygote. Not counted in ClinVar's aggregate classification.
Comment: This variant deletes 4 nucleotides in exon 20/27 of the BRCA2 gene, creating a frameshift and premature translation stop signal. This variant is expected to result in an absent or non-functional protein product. This variant has been reported in individuals affected with breast cancer (PMID: 29371908, 33471991; Leiden Open Variation Database DB-ID BRCA2_001827) and in four families among the CIMBA participants (PMID: 29446198). This variant has not been identified in the general population by the Genome Aggregation Database (gnomAD). Loss of BRCA2 function is a known mechanism of disease. Based on the available evidence, this variant is classified as Pathogenic.

This study involves interpretation of variants in research participants for the purpose of population health screening. Participant phenotype was not available at the time of variant classification. Additional details can be found in publication PMID: 35346344, PMCID: PMC8962531

Women's Health and Genetics/Laboratory Corporation of America, LabCorp
Classification: Pathogenic for Hereditary breast ovarian cancer syndrome. Last evaluated: 2024-04-03. Review status: criteria provided, single submitter. Criteria: LabCorp Variant Classification Summary - May 2015. Collection method: clinical testing. Allele origin: germline. Not counted in ClinVar's aggregate classification.
Comment: Variant summary: BRCA2 c.8535_8538delAGAG (p.Glu2846LysfsX16) results in a premature termination codon, predicted to cause a truncation of the encoded protein or absence of the protein due to nonsense mediated decay, which are commonly known mechanisms for disease. The variant was absent in 251142 control chromosomes (gnomAD). c.8535_8538delAGAG has been reported in the literature in individuals affected with Hereditary Breast And/or Ovarian Cancer Syndrome (example: Rebbeck_2018). These data indicate that the variant is likely to be associated with disease. The following publication has been ascertained in the context of this evaluation (PMID: 29446198). ClinVar contains an entry for this variant (Variation ID: 52615). Based on the evidence outlined above, the variant was classified as pathogenic.

Color Diagnostics, LLC DBA Color Health
Classification: Pathogenic for Hereditary cancer-predisposing syndrome. Last evaluated: 2024-03-20. Review status: criteria provided, single submitter. Criteria: ACMG Guidelines, 2015. Collection method: clinical testing. Allele origin: germline. Not counted in ClinVar's aggregate classification.
Comment: This variant deletes 4 nucleotides in exon 20/27 of the BRCA2 gene, creating a frameshift and premature translation stop signal. This variant is expected to result in an absent or non-functional protein product. This variant has been reported in individuals affected with breast cancer (PMID: 29371908, 33471991; Leiden Open Variation Database DB-ID BRCA2_001827) and in four families among the CIMBA participants (PMID: 29446198). This variant has not been identified in the general population by the Genome Aggregation Database (gnomAD). Loss of BRCA2 function is a known mechanism of disease. Based on the available evidence, this variant is classified as Pathogenic.

Ambry Genetics
Classification: Pathogenic for Hereditary cancer-predisposing syndrome. Last evaluated: 2024-01-08. Review status: criteria provided, single submitter. Criteria: Ambry Variant Classification Scheme 2023. Collection method: clinical testing. Allele origin: germline. Not counted in ClinVar's aggregate classification.
Comment: The c.8535_8538delAGAG pathogenic mutation, located in coding exon 19 of the BRCA2 gene, results from a deletion of 4 nucleotides at nucleotide positions 8535 to 8538, causing a translational frameshift with a predicted alternate stop codon (p.E2846Kfs*16). This mutation was identified in four individuals as part of a large, worldwide study of BRCA1/2 mutation positive families (Rebbeck TR et al. Hum. Mutat., 2018 05;39:593-620). In addition to the clinical data presented in the literature, this alteration is expected to result in loss of function by premature protein truncation or nonsense-mediated mRNA decay. As such, this alteration is interpreted as a disease-causing mutation.

Labcorp Genetics (formerly Invitae), Labcorp
Classification: Pathogenic for Hereditary breast ovarian cancer syndrome. Last evaluated: 2023-06-09. Review status: criteria provided, single submitter. Criteria: Invitae Variant Classification Sherloc (09022015). Collection method: clinical testing. Allele origin: germline. Not counted in ClinVar's aggregate classification.
Comment: For these reasons, this variant has been classified as Pathogenic. ClinVar contains an entry for this variant (Variation ID: 52615). This premature translational stop signal has been observed in individual(s) with clinical features of BRCA2-related conditions (PMID: 21520333). This variant is not present in population databases (gnomAD no frequency). This sequence change creates a premature translational stop signal (p.Glu2846Lysfs*16) in the BRCA2 gene. It is expected to result in an absent or disrupted protein product. Loss-of-function variants in BRCA2 are known to be pathogenic (PMID: 20104584).

Institute for Clinical Genetics, University Hospital TU Dresden, University Hospital TU Dresden
Classification: Pathogenic. Last evaluated: 2021-11-03. Review status: criteria provided, single submitter. Criteria: ACMG Guidelines, 2015. Collection method: clinical testing. Allele origin: germline. Not counted in ClinVar's aggregate classification.

GeneDx
Classification: Pathogenic. Last evaluated: 2020-06-30. Review status: criteria provided, single submitter. Criteria: GeneDx Variant Classification Process June 2021. Collection method: clinical testing. Allele origin: germline. Affected: yes. Not counted in ClinVar's aggregate classification.
Comment: Frameshift variant predicted to result in protein truncation or nonsense mediated decay in a gene for which loss-of-function is a known mechanism of disease; Identified in patients with a personal or family history consistent with pathogenic variants in this gene (Sun 2017, Dominguez-Valentin 2018); Not observed in large population cohorts (Lek 2016); Truncating variants in this gene are considered pathogenic by a well-established clinical consortium and/or database.; Also known as c.8763_8766delAGAG or c.8533_8536del; This variant is associated with the following publications: (PMID: 21702907, 28724667, 30702160, 29371908)

Consortium of Investigators of Modifiers of BRCA1/2 (CIMBA), c/o University of Cambridge
Classification: Pathogenic for Breast-ovarian cancer, familial, susceptibility to, 2. Last evaluated: 2015-10-02. Review status: criteria provided, single submitter. Criteria: CIMBA Mutation Classification guidelines May 2016. Collection method: clinical testing. Allele origin: germline. Not counted in ClinVar's aggregate classification.

Department of Pathology and Laboratory Medicine, Sinai Health System
Classification: Pathogenic for Hereditary breast ovarian cancer syndrome. Review status: criteria provided, single submitter. Criteria: ACMG Guidelines, 2015. Collection method: clinical testing. Allele origin: germline. Affected: yes. Study: The Canadian Open Genetics Repository (COGR). Not counted in ClinVar's aggregate classification.

BRCAlab, Lund University
Classification: Pathogenic for Breast-ovarian cancer, familial, susceptibility to, 2. Last evaluated: 2020-03-02. Review status: no assertion criteria provided. Collection method: clinical testing. Allele origin: germline. Affected: yes. Not counted in ClinVar's aggregate classification.

Breast Cancer Information Core (BIC) (BRCA2)
Classification: Pathogenic for Breast-ovarian cancer, familial 2. Last evaluated: 2002-05-29. Review status: no assertion criteria provided. Collection method: clinical testing. Allele origin: germline. Affected: yes. Observed: 2 variant alleles. Not counted in ClinVar's aggregate classification.

Literature cited by the submitters: PubMed 29371908 (cited by All of Us Research Program, National Institutes of Health and Color Diagnostics, LLC DBA Color Health); PubMed 29446198 (cited by 4 submitters); PubMed 33471991 (cited by All of Us Research Program, National Institutes of Health and Color Diagnostics, LLC DBA Color Health); PubMed 21520333 (cited by Labcorp Genetics (formerly Invitae), Labcorp); PubMed 20104584 (cited by Labcorp Genetics (formerly Invitae), Labcorp).